The following is an entry in ClinVar:

NC_000002.12:g.121530974G>T

Genes: CLASP1 (cytoplasmic linker associated protein 1; minus strand), CLASP1-AS1 (CLASP1 antisense RNA 1; plus strand), RNU4ATAC (RNA, U4atac small nuclear; plus strand). Cytogenetic location: 2q14.2.
Variant type: single nucleotide variant.
Molecular consequence: intron variant (on NM_001395891.1).
Genome position: GRCh38 VCF-style: chr2-121530974-G-T. GRCh37 (hg19) VCF-style: chr2-122288550-G-T.
Other names: c.196-649C>A (NM_001142274.2, NM_015282.3, NM_001378003.1 and 5 more transcripts).
Identifiers: ClinVar variation 1475825 (VCV001475825.3), dbSNP rs774196943, ClinGen allele CA54810972.

ClinVar aggregate classification (germline): Uncertain significance (1 of 4 stars; one submission).

gnomAD v4.1: 3 of 700,352 alleles (0.00043%); highest among the groups gnomAD compares: Non-Finnish European, 0.00078%; no homozygotes.

Submission:

Labcorp Genetics (formerly Invitae), Labcorp
Classification: Uncertain significance. Last evaluated: 2020-12-13. Review status: criteria provided, single submitter. Criteria: Invitae Variant Classification Sherloc (09022015). Collection method: clinical testing. Allele origin: germline.
Comment: This variant occurs in the RNU4ATAC gene, which encodes an RNA molecule that does not result in a protein product. The frequency data for this variant in the population databases is considered unreliable, as metrics indicate insufficient coverage at this position in the ExAC database. This variant has not been reported in the literature in individuals with RNU4ATAC-related conditions. Experimental studies and prediction algorithms are not available or were not evaluated, and the functional significance of this variant is currently unknown. In summary, the available evidence is currently insufficient to determine the role of this variant in disease. Therefore, it has been classified as a Variant of Uncertain Significance.